The following is an entry in ClinVar:

NM_018668.5(VPS33B):c.941G>A (p.Arg314His)

Gene: VPS33B (VPS33B late endosome and lysosome associated; minus strand). Cytogenetic location: 15q26.1.
Variant type: single nucleotide variant.
Coding change: c.941G>A on transcript NM_018668.5 (MANE Select); coding-DNA position 941, G replaced by A.
Protein change: p.Arg314His; replaces arginine 314 with histidine.
Molecular consequence: missense variant.
Genome position (GRCh38, 1-based): chr15:91,005,783, C>T on the plus strand (G>A on the coding strand, the complement: VPS33B is on the minus strand). VCF-style: chr15-91005783-C-T. GRCh37 (hg19) VCF-style: chr15-91549013-C-T.
Other names: p.Arg314His; c.941G>A (NM_018668.4); c.860G>A, p.Arg287His (NM_001289148.1); c.668G>A, p.Arg223His (NM_001289149.1); short protein forms R314H, R223H, R287H.
Identifiers: ClinVar variation 317424 (VCV000317424.10), dbSNP rs201698361, ClinGen allele CA7744843.

ClinVar aggregate classification (germline): Uncertain significance. Review status: criteria provided, multiple submitters, no conflicts (2 of 4 stars). 5 submissions from 5 submitters: Uncertain significance (5). Last evaluated 2025-10-24.

Conditions:
Inborn genetic diseases. Identifiers: MedGen C0950123, MeSH D030342.
Arthrogryposis, renal dysfunction, and cholestasis 1 (ARCS1). Identifiers: Orphanet 2697, MedGen C1859722, MONDO:0008822, OMIM 208085.

Allele frequency attached by ClinVar (database versions not stated): ExAC 0.00001; gnomAD 0.00003 and 0.00004; TOPMed 0.00003; gnomAD exomes 0.00004 and 0.00006.
gnomAD v4.1: 100 of 1,614,046 alleles (0.0062%); highest among the groups gnomAD compares: Non-Finnish European, 0.0075%; no homozygotes.

Submissions (5):

Mayo Clinic Laboratories, Mayo Clinic
Classification: Uncertain significance. Last evaluated: 2025-10-24. Review status: criteria provided, single submitter. Criteria: ACMG Guidelines, 2015. Collection method: clinical testing. Allele origin: germline. Observed: 1 variant allele.
Comment: PM2_supporting

Ambry Genetics
Classification: Uncertain significance for Inborn genetic diseases. Last evaluated: 2025-04-20. Review status: criteria provided, single submitter. Criteria: Ambry Variant Classification Scheme 2023. Collection method: clinical testing. Allele origin: germline.

Labcorp Genetics (formerly Invitae), Labcorp
Classification: Uncertain significance. Last evaluated: 2024-04-16. Review status: criteria provided, single submitter. Criteria: Invitae Variant Classification Sherloc (09022015). Collection method: clinical testing. Allele origin: germline.
Comment: This sequence change replaces arginine, which is basic and polar, with histidine, which is basic and polar, at codon 314 of the VPS33B protein (p.Arg314His). This variant is present in population databases (rs201698361, gnomAD 0.02%). This variant has not been reported in the literature in individuals affected with VPS33B-related conditions. ClinVar contains an entry for this variant (Variation ID: 317424). An algorithm developed to predict the effect of missense changes on protein structure and function (PolyPhen-2) suggests that this variant is likely to be disruptive. In summary, the available evidence is currently insufficient to determine the role of this variant in disease. Therefore, it has been classified as a Variant of Uncertain Significance.

GeneDx
Classification: Uncertain significance. Last evaluated: 2022-03-02. Review status: criteria provided, single submitter. Criteria: GeneDx Variant Classification Process June 2021. Collection method: clinical testing. Allele origin: germline. Affected: yes.
Comment: In silico analysis supports that this missense variant does not alter protein structure/function; Has not been previously published as pathogenic or benign to our knowledge

Illumina Laboratory Services, Illumina
Classification: Uncertain significance for Arthrogryposis, renal dysfunction, and cholestasis 1. Last evaluated: 2018-01-12. Review status: criteria provided, single submitter. Criteria: ICSL Variant Classification Criteria 13 December 2019. Collection method: clinical testing. Allele origin: germline.